The following is an entry in ClinVar:

NM_177550.5(SLC13A5):c.548-1G>A

Gene: SLC13A5 (solute carrier family 13 member 5; minus strand). Cytogenetic location: 17p13.1.
Variant type: single nucleotide variant.
Coding change: c.548-1G>A on transcript NM_177550.5 (MANE Select); the canonical splice acceptor site of the intron before coding-DNA position 548, G replaced by A.
Molecular consequence: splice acceptor variant.
Genome position (GRCh38, 1-based): chr17:6,703,139, C>T on the plus strand (G>A on the coding strand, the complement: SLC13A5 is on the minus strand). VCF-style: chr17-6703139-C-T. GRCh37 (hg19) VCF-style: chr17-6606458-C-T.
Other names: c.419-1G>A (NM_001284510.2); c.497-1G>A (NM_001284509.2); c.548-1G>A (NM_001143838.3).
Identifiers: ClinVar variation 2028470 (VCV002028470.5), dbSNP rs2544638751, ClinGen allele CA397749608.

ClinVar aggregate classification (germline): Likely pathogenic. Review status: criteria provided, multiple submitters, no conflicts (2 of 4 stars). 2 submissions from 2 submitters: Likely pathogenic (2). Last evaluated 2024-05-23.

Conditions:
Developmental and epileptic encephalopathy, 25 (DEE25). Also called: Developmental and epileptic encephalopathy 25, with amelogenesis imperfecta; Epileptic encephalopathy, early infantile, 25, with amelogenesis imperfecta; Epileptic encephalopathy, early infantile, 25. Identifiers: Orphanet 442835, MedGen C4014621, MONDO:0014392, OMIM 615905.
Inborn genetic diseases. Identifiers: MedGen C0950123, MeSH D030342.

Submissions (2):

Labcorp Genetics (formerly Invitae), Labcorp
Classification: Likely pathogenic for Developmental and epileptic encephalopathy, 25. Last evaluated: 2024-05-23. Review status: criteria provided, single submitter. Criteria: Invitae Variant Classification Sherloc (09022015). Collection method: clinical testing. Allele origin: germline.
Comment: This sequence change affects an acceptor splice site in intron 4 of the SLC13A5 gene. It is expected to disrupt RNA splicing. Variants that disrupt the donor or acceptor splice site typically lead to a loss of protein function (PMID: 16199547), and loss-of-function variants in SLC13A5 are known to be pathogenic (PMID: 24995870, 26384929). This variant is not present in population databases (gnomAD no frequency). This variant has not been reported in the literature in individuals affected with SLC13A5-related conditions. ClinVar contains an entry for this variant (Variation ID: 2028470). Algorithms developed to predict the effect of sequence changes on RNA splicing suggest that this variant may disrupt the consensus splice site. In summary, the currently available evidence indicates that the variant is pathogenic, but additional data are needed to prove that conclusively. Therefore, this variant has been classified as Likely Pathogenic.

Ambry Genetics
Classification: Likely pathogenic for Inborn genetic diseases. Last evaluated: 2021-09-21. Review status: criteria provided, single submitter. Criteria: Ambry Variant Classification Scheme 2023. Collection method: clinical testing. Allele origin: germline.
Comment: The c.548-1G>A intronic variant results from a G to A substitution one nucleotide before coding exon 5 of the SLC13A5 gene. Alterations that disrupt the canonical splice site are expected to cause aberrant splicing, resulting in an abnormal protein or a transcript that is subject to nonsense-mediated mRNA decay. This variant was not reported in population-based cohorts in the Genome Aggregation Database (gnomAD). This nucleotide position is highly conserved in available vertebrate species. In silico splice site analysis predicts that this alteration will weaken the native splice acceptor site and will result in the creation or strengthening of a novel splice acceptor site. Based on the available evidence, this alteration is classified as likely pathogenic.

Literature cited by the submitters: PubMed 16199547 (cited by Labcorp Genetics (formerly Invitae), Labcorp); PubMed 24995870 (cited by Labcorp Genetics (formerly Invitae), Labcorp); PubMed 26384929 (cited by Labcorp Genetics (formerly Invitae), Labcorp).